The following is an entry in ClinVar:

ClinVar aggregate classification (germline): Conflicting classifications of pathogenicity. Review status: criteria provided, conflicting classifications (1 of 4 stars). 7 submissions from 7 submitters: Uncertain significance (1); Benign (4); Likely benign (2). Last evaluated 2026-09-01.

Conditions:
Autosomal recessive nonsyndromic hearing loss 9. Also called: AUDITORY NEUROPATHY, AUTOSOMAL RECESSIVE, 1, TEMPERATURE-SENSITIVE; OTOF-Related Hearing Loss; Deafness, autosomal recessive 9; NEUROSENSORY NONSYNDROMIC RECESSIVE DEAFNESS 9. Identifiers: Orphanet 90636, MedGen C1832828, MONDO:0010986, OMIM 601071.

Allele frequency attached by ClinVar (database versions not stated): gnomAD exomes 0.00041 and 0.00118; ExAC 0.00128; ESP Exome Variant Server 0.00377; gnomAD 0.00414 and 0.00446; 1000 Genomes Project 30x 0.00437; TOPMed 0.00462; 1000 Genomes Project 0.00479.
gnomAD v4.1: 1,272 of 1,612,874 alleles (0.079%); highest among the groups gnomAD compares: African/African-American, 1.3%; 6 homozygotes.

Submissions (7):

CeGaT Center for Human Genetics Tuebingen
Classification: Likely benign. Last evaluated: 2026-09-01. Review status: criteria provided, single submitter. Criteria: CeGaT Center For Human Genetics Tuebingen Variant Classification Criteria Version 2. Collection method: clinical testing. Allele origin: germline. Affected: yes. Observed: 3 variant alleles.
Comment: OTOF: BP4, BP7, BS1

Labcorp Genetics (formerly Invitae), Labcorp
Classification: Benign. Last evaluated: 2026-01-28. Review status: criteria provided, single submitter. Criteria: Invitae Variant Classification Sherloc (09022015). Collection method: clinical testing. Allele origin: germline.

Blueprint Genetics
Classification: Likely benign. Last evaluated: 2024-10-18. Review status: criteria provided, single submitter. Criteria: ACMG Guidelines, 2015. Collection method: clinical testing. Allele origin: germline.

ARUP Laboratories, Molecular Genetics and Genomics, ARUP Laboratories
Classification: Benign. Last evaluated: 2023-10-11. Review status: criteria provided, single submitter. Criteria: ARUP Molecular Germline Variant Investigation Process 2024. Collection method: clinical testing. Allele origin: germline.

GeneDx
Classification: Benign. Last evaluated: 2019-02-12. Review status: criteria provided, single submitter. Criteria: GeneDx Variant Classification Process June 2021. Collection method: clinical testing. Allele origin: germline. Affected: yes.

Illumina Laboratory Services, Illumina
Classification: Uncertain significance for Autosomal recessive nonsyndromic hearing loss 9. Last evaluated: 2018-01-13. Review status: criteria provided, single submitter. Criteria: ICSL Variant Classification Criteria 13 December 2019. Collection method: clinical testing. Allele origin: germline.

Laboratory for Molecular Medicine, Mass General Brigham Personalized Medicine
Classification: Benign. Last evaluated: 2012-05-07. Review status: criteria provided, single submitter. Criteria: LMM Criteria. Collection method: clinical testing. Allele origin: germline. Observed: 4 variant alleles.
Comment: "Arg1157Arg in Exon 28 of OTOF: This variant is not expected to have clinical si gnificance because it does not alter an amino acid residue, is not located withi n the splice consensus sequence, and has been identified in 1.1% (40/3738) of Af rican American chromosomes from a broad population by the NHLBI Exome Sequencing Project (dbSNP rs61742191)."

NM_194248.3(OTOF):c.3471G>T (p.Arg1157=)

Gene: OTOF (otoferlin; minus strand). Cytogenetic location: 2p23.3.
Variant type: single nucleotide variant.
Coding change: c.3471G>T on transcript NM_194248.3 (MANE Select); coding-DNA position 3471, G replaced by T.
Protein change: p.Arg1157=; no amino-acid change (arginine 1157 retained).
Molecular consequence: synonymous variant.
Genome position (GRCh38, 1-based): chr2:26,473,505, C>A on the plus strand (G>T on the coding strand, the complement: OTOF is on the minus strand). VCF-style: chr2-26473505-C-A. GRCh37 (hg19) VCF-style: chr2-26696373-C-A.
Other names: c.3471G>T, p.Arg1157= (NM_001287489.2); c.1230G>T, p.Arg410= (NM_004802.4, NM_194323.3); c.1401G>T, p.Arg467= (NM_194322.3).
Identifiers: ClinVar variation 226857 (VCV000226857.43), dbSNP rs61742191, ClinGen allele CA1563542.